The following is an entry in ClinVar:

NM_000455.5(STK11):c.735C>T (p.Leu245=)

Gene: STK11 (serine/threonine kinase 11; plus strand). Cytogenetic location: 19p13.3.
Variant type: single nucleotide variant.
Coding change: c.735C>T on transcript NM_000455.5 (MANE Select); coding-DNA position 735, C replaced by T.
Protein change: p.Leu245=; no amino-acid change (leucine 245 retained).
Molecular consequence: synonymous variant.
Genome position (GRCh38, 1-based): chr19:1,221,213, C>T. VCF-style: chr19-1221213-C-T. GRCh37 (hg19) VCF-style: chr19-1221212-C-T.
Other names: c.735C>T (NM_000455.4).
Identifiers: ClinVar variation 1053120 (VCV001053120.11), dbSNP rs773147894, ClinGen allele CA048887.

ClinVar aggregate classification (germline): Conflicting classifications of pathogenicity. Review status: criteria provided, conflicting classifications (1 of 4 stars). 2 submissions from 2 submitters: Uncertain significance (1); Likely benign (1). Last evaluated 2023-08-25.

Conditions:
Hereditary cancer-predisposing syndrome. Also called: Hereditary Cancer Syndrome; Tumor predisposition; Hereditary neoplastic syndrome; Neoplastic Syndromes, Hereditary. Identifiers: Orphanet 140162, MedGen C0027672, MeSH D009386, MONDO:0015356.
Peutz-Jeghers syndrome (PJS). Also called: POLYPOSIS, HAMARTOMATOUS INTESTINAL; POLYPS-AND-SPOTS SYNDROME; Peutz-Jeghers polyposis; Periorificial lentiginosis syndrome. Identifiers: Orphanet 2869, MedGen C0031269, MeSH D010580, MONDO:0008280, OMIM 175200.

Submissions (2):

Ambry Genetics
Classification: Likely benign for Hereditary cancer-predisposing syndrome. Last evaluated: 2023-08-25. Review status: criteria provided, single submitter. Criteria: Ambry Variant Classification Scheme 2023. Collection method: clinical testing. Allele origin: germline.

Labcorp Genetics (formerly Invitae), Labcorp
Classification: Uncertain significance for Peutz-Jeghers syndrome. Last evaluated: 2021-05-07. Review status: criteria provided, single submitter. Criteria: Invitae Variant Classification Sherloc (09022015). Collection method: clinical testing. Allele origin: germline.
Comment: In summary, the available evidence is currently insufficient to determine the role of this variant in disease. Therefore, it has been classified as a Variant of Uncertain Significance. Algorithms developed to predict the effect of sequence changes on RNA splicing suggest that this variant may disrupt the consensus splice site, but this prediction has not been confirmed by published transcriptional studies. This variant has not been reported in the literature in individuals with STK11-related conditions. This variant is present in population databases (rs773147894, ExAC 0.006%). This sequence change affects codon 245 of the STK11 mRNA. It is a 'silent' change, meaning that it does not change the encoded amino acid sequence of the STK11 protein.